The following is an entry in ClinVar:

NM_000078.3(CETP):c.597+5G>A

Genes: CETP (cholesteryl ester transfer protein; plus strand), LOC130059064 (ATAC-STARR-seq lymphoblastoid active region 10867; plus strand). Cytogenetic location: 16q13.
Variant type: single nucleotide variant.
Coding change: c.597+5G>A on transcript NM_000078.3 (MANE Select); 5 bases into the intron after coding-DNA position 597, G replaced by A.
Molecular consequence: intron variant.
Genome position (GRCh38, 1-based): chr16:56,971,107, G>A. VCF-style: chr16-56971107-G-A. GRCh37 (hg19) VCF-style: chr16-57005019-G-A.
Other names: c.597+5G>A (NM_001286085.2).
Identifiers: ClinVar variation 2617649 (VCV002617649.3), dbSNP rs746539100, ClinGen allele CA8070990.

ClinVar aggregate classification (germline): Uncertain significance. Review status: criteria provided, multiple submitters, no conflicts (2 of 4 stars). 2 submissions from 2 submitters: Uncertain significance (2). Last evaluated 2025-11-12.

Allele frequency attached by ClinVar (database versions not stated): gnomAD 0.00001; gnomAD exomes 0.00001; ExAC 0.00003; TOPMed 0.00003.
gnomAD v4.1: 9 of 1,613,680 alleles (0.00056%); highest among the groups gnomAD compares: East Asian, 0.018%; no homozygotes.

Submissions (2):

Labcorp Genetics (formerly Invitae), Labcorp
Classification: Uncertain significance. Last evaluated: 2025-11-12. Review status: criteria provided, single submitter. Criteria: Invitae Variant Classification Sherloc (09022015). Collection method: clinical testing. Allele origin: germline.
Comment: This sequence change falls in intron 6 of the CETP gene. It does not directly change the encoded amino acid sequence of the CETP protein. It affects a nucleotide within the consensus splice site. This variant is present in population databases (rs746539100, gnomAD 0.06%). This variant has not been reported in the literature in individuals affected with CETP-related conditions. ClinVar contains an entry for this variant (Variation ID: 2617649). Variants that disrupt the consensus splice site are a relatively common cause of aberrant splicing (PMID: 17576681, 9536098). Algorithms developed to predict the effect of sequence changes on RNA splicing suggest that this variant may disrupt the consensus splice site. In summary, the available evidence is currently insufficient to determine the role of this variant in disease. Therefore, it has been classified as a Variant of Uncertain Significance.

Ambry Genetics
Classification: Uncertain significance. Last evaluated: 2023-08-23. Review status: criteria provided, single submitter. Criteria: Ambry Variant Classification Scheme 2023. Collection method: clinical testing. Allele origin: germline.
Comment: Does not currently meet published gene-disease clinical validity criteria Based on insufficient or conflicting evidence, the clinical significance of this alteration remains unclear.

Literature cited by the submitters: PubMed 17576681 (cited by Labcorp Genetics (formerly Invitae), Labcorp); PubMed 9536098 (cited by Labcorp Genetics (formerly Invitae), Labcorp); PubMed 28106320 (cited by Ambry Genetics).